The following is an entry in ClinVar:

ClinVar aggregate classification (germline): Uncertain significance (1 of 4 stars; one submission).

Conditions:
Hereditary cancer-predisposing syndrome. Also called: Tumor predisposition; Hereditary neoplastic syndrome; Hereditary Cancer Syndrome; Neoplastic Syndromes, Hereditary. Identifiers: Orphanet 140162, MedGen C0027672, MeSH D009386, MONDO:0015356.

Submission:

Ambry Genetics
Classification: Uncertain significance for Hereditary cancer-predisposing syndrome. Last evaluated: 2024-02-25. Review status: criteria provided, single submitter. Criteria: Ambry Variant Classification Scheme 2023. Collection method: clinical testing. Allele origin: germline.
Comment: The p.V174F variant (also known as c.520G>T), located in coding exon 2 of the CDKN1B gene, results from a G to T substitution at nucleotide position 520. The valine at codon 174 is replaced by phenylalanine, an amino acid with highly similar properties. This amino acid position is conserved. In addition, the in silico prediction for this alteration is inconclusive. Based on the available evidence, the clinical significance of this alteration remains unclear.

NM_004064.5(CDKN1B):c.520G>T (p.Val174Phe)

Gene: CDKN1B (cyclin dependent kinase inhibitor 1B; plus strand). Cytogenetic location: 12p13.1.
Variant type: single nucleotide variant.
Coding change: c.520G>T on transcript NM_004064.5 (MANE Select); coding-DNA position 520, G replaced by T.
Protein change: p.Val174Phe; replaces valine 174 with phenylalanine.
Molecular consequence: missense variant.
Genome position (GRCh38, 1-based): chr12:12,718,869, G>T. VCF-style: chr12-12718869-G-T. GRCh37 (hg19) VCF-style: chr12-12871803-G-T.
Other names: short protein forms V174F.
Identifiers: ClinVar variation 3223682 (VCV003223682.1), dbSNP rs766659283, ClinGen allele CA383972896.